The following is an entry in ClinVar:

ClinVar aggregate classification (germline): Uncertain significance (1 of 4 stars; one submission).

Conditions:
Ataxia-telangiectasia syndrome (AT). Also called: LOUIS-BAR SYNDROME; Ataxia-telangiectasia; Cerebello-oculocutaneous telangiectasia; Immunodeficiency with ataxia telangiectasia; ATAXIA-TELANGIECTASIA, COMPLEMENTATION GROUP A; ATAXIA-TELANGIECTASIA, FRESNO VARIANT. Identifiers: Orphanet 100, MedGen C0004135, MONDO:0008840, OMIM 208900.

Submission:

Labcorp Genetics (formerly Invitae), Labcorp
Classification: Uncertain significance for Ataxia-telangiectasia syndrome. Last evaluated: 2020-11-11. Review status: criteria provided, single submitter. Criteria: Invitae Variant Classification Sherloc (09022015). Collection method: clinical testing. Allele origin: germline.
Comment: In summary, the available evidence is currently insufficient to determine the role of this variant in disease. Therefore, it has been classified as a Variant of Uncertain Significance. Advanced modeling of protein sequence and biophysical properties (such as structural, functional, and spatial information, amino acid conservation, physicochemical variation, residue mobility, and thermodynamic stability) performed at Invitae indicates that this missense variant is not expected to disrupt ATM protein function. This sequence change replaces histidine with proline at codon 1895 of the ATM protein (p.His1895Pro). The histidine residue is weakly conserved and there is a moderate physicochemical difference between histidine and proline. This variant is not present in population databases (ExAC no frequency). This variant has not been reported in the literature in individuals with ATM-related conditions.

NM_000051.4(ATM):c.5684A>C (p.His1895Pro)

Gene: ATM (ATM serine/threonine kinase; plus strand). Cytogenetic location: 11q22.3.
Variant type: single nucleotide variant.
Coding change: c.5684A>C on transcript NM_000051.4 (MANE Select); coding-DNA position 5684, A replaced by C.
Protein change: p.His1895Pro; replaces histidine 1895 with proline.
Molecular consequence: missense variant.
Genome position (GRCh38, 1-based): chr11:108,307,906, A>C. VCF-style: chr11-108307906-A-C. GRCh37 (hg19) VCF-style: chr11-108178633-A-C.
Other names: c.5684A>C, p.His1895Pro (NM_001351834.2); short protein forms H1895P.
Identifiers: ClinVar variation 1488580 (VCV001488580.8), dbSNP rs2135975923, ClinGen allele CA382547752.
Genomic context (GRCh38, chr11:108,307,906, plus strand): 5'-GTGTGTAAGCAAGAATGCCTGGGACTGAGGGGAGATATTTTTGTTTGTCAGAGTCAGAGC[A>C]CTTTTTCCGATGCTGTTTGGATAAAAAATCACAAAGAACAATGCTTGCTGTTGTGGACTA-3'
Protein context (NP_000042.3, residues 1885-1905): TPANLDSESE[His1895Pro]FFRCCLDKKS